The following is an entry in ClinVar:

NM_138694.4(PKHD1):c.7675G>C (p.Val2559Leu)

Gene: PKHD1 (PKHD1 ciliary IPT domain containing fibrocystin/polyductin; minus strand). Cytogenetic location: 6p12.2.
Variant type: single nucleotide variant.
Coding change: c.7675G>C on transcript NM_138694.4 (MANE Select); coding-DNA position 7675, G replaced by C.
Protein change: p.Val2559Leu; replaces valine 2559 with leucine.
Molecular consequence: missense variant.
Genome position (GRCh38, 1-based): chr6:51,867,921, C>G on the plus strand (G>C on the coding strand, the complement: PKHD1 is on the minus strand). VCF-style: chr6-51867921-C-G. GRCh37 (hg19) VCF-style: chr6-51732719-C-G.
Other names: p.Val2559Leu; c.7675G>C, p.Val2559Leu (NM_170724.3); short protein forms V2559L.
Identifiers: ClinVar variation 197602 (VCV000197602.67), dbSNP rs150046042, ClinGen allele CA245849.

ClinVar aggregate classification (germline): Conflicting classifications of pathogenicity. Review status: criteria provided, conflicting classifications (1 of 4 stars). 14 submissions from 14 submitters: Uncertain significance (7); Likely benign (2). 5 of the submissions do not count toward it. Last evaluated 2026-02-01.

Conditions:
PKHD1-related disorder. Also called: PKHD1-related condition.
Polycystic kidney disease 4 (PKD4). Also called: POLYCYSTIC KIDNEY AND HEPATIC DISEASE 1; POLYCYSTIC KIDNEY DISEASE, INFANTILE, TYPE I; POLYCYSTIC KIDNEY DISEASE 4 WITH OR WITHOUT POLYCYSTIC LIVER DISEASE; PKD3; Autosomal Recessive Polycystic Kidney Disease – PKHD1. Identifiers: MedGen C4540575, MONDO:0033004, OMIM 263200.
Autosomal dominant polycystic liver disease. Also called: Polycystic liver disease; Congenital cystic disease of liver. Identifiers: Orphanet 2924, MedGen C0158683, MONDO:0000447, HP:0006557.
Inborn genetic diseases. Identifiers: MedGen C0950123, MeSH D030342.
Autosomal recessive polycystic kidney disease (ARPKD). Also called: AR polycystic kidney disease. Identifiers: Orphanet 731, Orphanet 8378, MedGen C0085548, MeSH D017044, MONDO:0009889.

Allele frequency attached by ClinVar (database versions not stated): gnomAD 0.00070; TOPMed 0.00092; gnomAD exomes 0.00103; ExAC 0.00111; ESP Exome Variant Server 0.00169.
gnomAD v4.1: 1,942 of 1,613,106 alleles (0.12%); highest among the groups gnomAD compares: Middle Eastern, 0.28%; 2 homozygotes.

Submissions (14):

Labcorp Genetics (formerly Invitae), Labcorp
Classification: Likely benign for Autosomal recessive polycystic kidney disease. Last evaluated: 2026-02-01. Review status: criteria provided, single submitter. Criteria: Invitae Variant Classification Sherloc (09022015). Collection method: clinical testing. Allele origin: germline.

Mayo Clinic Laboratories, Mayo Clinic
Classification: Uncertain significance. Last evaluated: 2025-08-12. Review status: criteria provided, single submitter. Criteria: ACMG Guidelines, 2015. Collection method: clinical testing. Allele origin: germline. Observed: 3 variant alleles.
Comment: PP3

Blueprint Genetics
Classification: Uncertain significance. Last evaluated: 2024-11-11. Review status: criteria provided, single submitter. Criteria: ACMG Guidelines, 2015. Collection method: clinical testing. Allele origin: germline.

Department of Pathology and Laboratory Medicine, Sinai Health System
Classification: Likely benign for Polycystic kidney disease 4. Last evaluated: 2024-10-09. Review status: criteria provided, single submitter. Criteria: ACMG Guidelines, 2015. Collection method: clinical testing. Allele origin: germline.

CeGaT Center for Human Genetics Tuebingen
Classification: Uncertain significance. Last evaluated: 2024-08-01. Review status: criteria provided, single submitter. Criteria: CeGaT Center For Human Genetics Tuebingen Variant Classification Criteria Version 2. Collection method: clinical testing. Allele origin: germline. Affected: yes. Observed: 1 variant allele.
Comment: PKHD1: PM2, BP4

Women's Health and Genetics/Laboratory Corporation of America, LabCorp
Classification: Uncertain significance. Last evaluated: 2024-01-26. Review status: criteria provided, single submitter. Criteria: LabCorp Variant Classification Summary - May 2015. Collection method: clinical testing. Allele origin: germline.
Comment: Variant summary: PKHD1 c.7675G>C (p.Val2559Leu) results in a conservative amino acid change in the encoded protein sequence. Five of five in-silico tools predict a benign effect of the variant on protein function. The variant allele was found at a frequency of 0.0012 in 1613106 control chromosomes in the gnomAD database, including 2 homozygotes. This frequency is not significantly higher than estimated for a pathogenic variant in PKHD1 causing Polycystic Kidney And Hepatic Disease (0.0012 vs 0.0071), allowing no conclusion about variant significance. c.7675G>C has been reported in the literature in individuals affected with Polycystic Kidney And Hepatic Disease without strong evidence for causality (e.g. Sharp_2005, Tavira_2015). These report(s) do not provide unequivocal conclusions about association of the variant with Polycystic Kidney And Hepatic Disease. To our knowledge, no experimental evidence demonstrating an impact on protein function has been reported. The following publications have been ascertained in the context of this evaluation (PMID: 15805161, 25701400). ClinVar contains an entry for this variant (Variation ID: 197602). Based on the evidence outlined above, the variant was classified as uncertain significance.

Ambry Genetics
Classification: Uncertain significance for Inborn genetic diseases. Last evaluated: 2023-08-02. Review status: criteria provided, single submitter. Criteria: Ambry Variant Classification Scheme 2023. Collection method: clinical testing. Allele origin: germline.

Eurofins Ntd Llc (ga)
Classification: Uncertain significance. Last evaluated: 2018-03-15. Review status: criteria provided, single submitter. Criteria: EGL ClinVar v180209 classification definitions. Collection method: clinical testing. Allele origin: germline. Observed: 8 variant alleles, 8 heterozygotes.

Illumina Laboratory Services, Illumina
Classification: Uncertain significance for Polycystic kidney disease 4. Last evaluated: 2017-04-27. Review status: criteria provided, single submitter. Criteria: ICSL Variant Classification Criteria 13 December 2019. Collection method: clinical testing. Allele origin: germline.

PreventionGenetics, part of Exact Sciences
Classification: Likely benign for PKHD1-related condition. Last evaluated: 2024-01-05. Review status: no assertion criteria provided. Collection method: clinical testing. Allele origin: germline. Not counted in ClinVar's aggregate classification.
Comment: This variant is classified as likely benign based on ACMG/AMP sequence variant interpretation guidelines (Richards et al. 2015 PMID: 25741868, with internal and published modifications).

Laboratory of Gastroenterology and Hepatology, Radboud University Medical Center
Classification: Likely benign for Autosomal dominant polycystic liver disease. Last evaluated: 2021-09-01. Review status: no assertion criteria provided. Collection method: research. Allele origin: germline. Affected: yes. Not counted in ClinVar's aggregate classification.

Natera, Inc.
Classification: Uncertain significance for Autosomal recessive polycystic kidney disease. Last evaluated: 2018-03-26. Review status: no assertion criteria provided. Collection method: clinical testing. Allele origin: germline. Not counted in ClinVar's aggregate classification.

Clinical Genetics DNA and cytogenetics Diagnostics Lab, Erasmus MC, Erasmus Medical Center
Classification: Likely benign. Review status: no assertion criteria provided. Collection method: clinical testing. Allele origin: germline. Affected: yes. Study: VKGL Data-share Consensus. Not counted in ClinVar's aggregate classification.

Genome Diagnostics Laboratory, University Medical Center Utrecht
Classification: Likely benign. Review status: no assertion criteria provided. Collection method: clinical testing. Allele origin: germline. Affected: yes. Study: VKGL Data-share Consensus. Not counted in ClinVar's aggregate classification.

Literature cited by the submitters: PubMed 15805161 (cited by 4 submitters); PubMed 25701400 (cited by Mayo Clinic Laboratories, Mayo Clinic and Women's Health and Genetics/Laboratory Corporation of America, LabCorp); PubMed 31308072 (cited by Mayo Clinic Laboratories, Mayo Clinic); PubMed 34405919 (cited by Mayo Clinic Laboratories, Mayo Clinic); PubMed 39473742 (cited by Mayo Clinic Laboratories, Mayo Clinic).